The following is an entry in ClinVar:

ClinVar aggregate classification (germline): Uncertain significance. Review status: criteria provided, multiple submitters, no conflicts (2 of 4 stars). 3 submissions from 3 submitters: Uncertain significance (3). Last evaluated 2025-08-11.

Conditions:
Intellectual developmental disorder, X-linked 1. Also called: Intellectual disability, X-linked 1; MENTAL RETARDATION, X-LINKED 18; MENTAL RETARDATION, X-LINKED 78; Atkin Flaitz Patil Smith syndrome. Identifiers: Orphanet 777, MedGen C2931498, MONDO:0010656, OMIM 309530.

Submissions (3):

GeneDx
Classification: Uncertain significance. Last evaluated: 2025-08-11. Review status: criteria provided, single submitter. Criteria: GeneDx Variant Classification Process June 2021. Collection method: clinical testing. Allele origin: germline. Affected: yes.
Comment: In-frame deletion of 1 amino acid in a non-repeat region; In silico analysis supports a deleterious effect on protein structure/function; Has not been previously published as pathogenic or benign to our knowledge; This variant is associated with the following publications: (PMID: 20473311)

CeGaT Center for Human Genetics Tuebingen
Classification: Uncertain significance. Last evaluated: 2024-11-01. Review status: criteria provided, single submitter. Criteria: CeGaT Center For Human Genetics Tuebingen Variant Classification Criteria Version 2. Collection method: clinical testing. Allele origin: germline. Affected: yes. Observed: 1 variant allele.
Comment: IQSEC2: PM4:Supporting

Labcorp Genetics (formerly Invitae), Labcorp
Classification: Uncertain significance for Intellectual developmental disorder, X-linked 1. Last evaluated: 2023-06-10. Review status: criteria provided, single submitter. Criteria: Invitae Variant Classification Sherloc (09022015). Collection method: clinical testing. Allele origin: germline.
Comment: In summary, the available evidence is currently insufficient to determine the role of this variant in disease. Therefore, it has been classified as a Variant of Uncertain Significance. Experimental studies and prediction algorithms are not available or were not evaluated, and the functional significance of this variant is currently unknown. This variant has not been reported in the literature in individuals affected with IQSEC2-related conditions. This variant is present in population databases (no rsID available, gnomAD no frequency). This variant, c.3041_3043del, results in the deletion of 1 amino acid(s) of the IQSEC2 protein (p.Lys1014del), but otherwise preserves the integrity of the reading frame.

NM_001111125.3(IQSEC2):c.3032AGA[3] (p.Lys1014del)

Gene: IQSEC2 (IQ motif and Sec7 domain ArfGEF 2; minus strand). Cytogenetic location: Xp11.22.
Variant type: Microsatellite.
Coding change: c.3032AGA[3] on transcript NM_001111125.3 (MANE Select); three copies in a row of the 3-base unit AGA starting at c.3032; the reference has four copies in a row; one copy, 3 bases deleted; also written c.3041_3043del.
Protein change: p.Lys1014del; deletes lysine 1014.
Molecular consequence: inframe deletion.
Genome position (GRCh38, 1-based): chrX:53,239,267-53,239,269, TCT deleted on the plus strand (AGA on the coding strand, the reverse complement: IQSEC2 is on the minus strand); deleting any 3 consecutive bases within chrX:53,239,267-53,239,278 gives the same sequence; the position shown is the placement nearest the transcript's 3' end. VCF-style (leftmost placement, unchanged base first): chrX-53239266-ATCT-A. GRCh37 (hg19) VCF-style: chrX-53268448-ATCT-A.
Other names: c.2417AGA[3], p.Lys809del (NM_015075.2); c.3041_3043delAGA (NM_001111125.1); c.3041_3043del (NM_001111125.1); short protein forms K1014del, K809del.
Identifiers: ClinVar variation 1173036 (VCV001173036.19), dbSNP rs1556860396, ClinGen allele CA641548906.